The following is an entry in ClinVar:

NM_032833.5(PPP1R15B):c.1790C>T (p.Ala597Val)

Gene: PPP1R15B (protein phosphatase 1 regulatory subunit 15B; minus strand). Cytogenetic location: 1q32.1.
Variant type: single nucleotide variant.
Coding change: c.1790C>T on transcript NM_032833.5 (MANE Select); coding-DNA position 1790, C replaced by T.
Protein change: p.Ala597Val; replaces alanine 597 with valine.
Molecular consequence: missense variant.
Genome position (GRCh38, 1-based): chr1:204,409,622, G>A on the plus strand (C>T on the coding strand, the complement: PPP1R15B is on the minus strand). VCF-style: chr1-204409622-G-A. GRCh37 (hg19) VCF-style: chr1-204378750-G-A.
Other names: short protein forms A597V.
Identifiers: ClinVar variation 2006520 (VCV002006520.4), dbSNP rs1674324385, ClinGen allele CA344351541.

ClinVar aggregate classification (germline): Uncertain significance (1 of 4 stars; one submission).

Allele frequency attached by ClinVar (database versions not stated): gnomAD exomes below 0.00001; TOPMed below 0.00001.
gnomAD v4.1: 2 of 1,614,064 alleles (0.00012%); highest among the groups gnomAD compares: Non-Finnish European, 0.00017%; no homozygotes.

Submission:

Labcorp Genetics (formerly Invitae), Labcorp
Classification: Uncertain significance. Last evaluated: 2023-11-27. Review status: criteria provided, single submitter. Criteria: Invitae Variant Classification Sherloc (09022015). Collection method: clinical testing. Allele origin: germline.
Comment: This sequence change replaces alanine, which is neutral and non-polar, with valine, which is neutral and non-polar, at codon 597 of the PPP1R15B protein (p.Ala597Val). This variant is not present in population databases (gnomAD no frequency). This variant has not been reported in the literature in individuals affected with PPP1R15B-related conditions. ClinVar contains an entry for this variant (Variation ID: 2006520). Advanced modeling of protein sequence and biophysical properties (such as structural, functional, and spatial information, amino acid conservation, physicochemical variation, residue mobility, and thermodynamic stability) performed at Invitae indicates that this missense variant is not expected to disrupt PPP1R15B protein function with a negative predictive value of 80%. In summary, the available evidence is currently insufficient to determine the role of this variant in disease. Therefore, it has been classified as a Variant of Uncertain Significance.